The following is an entry in ClinVar:

NM_005502.4(ABCA1):c.749C>T (p.Pro250Leu)

Gene: ABCA1 (ATP binding cassette subfamily A member 1; minus strand). Cytogenetic location: 9q31.1.
Variant type: single nucleotide variant.
Coding change: c.749C>T on transcript NM_005502.4 (MANE Select); coding-DNA position 749, C replaced by T.
Protein change: p.Pro250Leu; replaces proline 250 with leucine.
Molecular consequence: missense variant.
Genome position (GRCh38, 1-based): chr9:104,845,541, G>A on the plus strand (C>T on the coding strand, the complement: ABCA1 is on the minus strand). VCF-style: chr9-104845541-G-A. GRCh37 (hg19) VCF-style: chr9-107607822-G-A.
Other names: c.749C>T (NM_005502.3); short protein forms P250L.
Identifiers: ClinVar variation 2062227 (VCV002062227.6), dbSNP rs201134913, ClinGen allele CA5169223.

ClinVar aggregate classification (germline): Conflicting classifications of pathogenicity. Review status: criteria provided, conflicting classifications (1 of 4 stars). 3 submissions from 3 submitters: Uncertain significance (1); Likely benign (2). Last evaluated 2026-01-20.

Allele frequency attached by ClinVar (database versions not stated): ExAC 0.00008; gnomAD 0.00009; ESP Exome Variant Server 0.00015; gnomAD exomes 0.00019.

Submissions (3):

Labcorp Genetics (formerly Invitae), Labcorp
Classification: Likely benign. Last evaluated: 2026-01-20. Review status: criteria provided, single submitter. Criteria: Invitae Variant Classification Sherloc (09022015). Collection method: clinical testing. Allele origin: germline.

GeneDx
Classification: Uncertain significance. Last evaluated: 2022-09-09. Review status: criteria provided, single submitter. Criteria: GeneDx Variant Classification Process June 2021. Collection method: clinical testing. Allele origin: germline. Affected: yes.
Comment: In silico analysis supports that this missense variant does not alter protein structure/function; Has not been previously published in association with dyslipidemia to our knowledge; This variant is associated with the following publications: (PMID: 24497850)

Laboratory for Molecular Medicine, Mass General Brigham Personalized Medicine
Classification: Likely benign. Last evaluated: 2020-09-04. Review status: criteria provided, single submitter. Criteria: ACMG Guidelines, 2015. Collection method: clinical testing. Allele origin: germline.
Comment: The p.Pro250Leu variant in ABCA1 is classified as likely benign due to a lack of conservation across species. Over 10 mammals carry a leucine (Leu) at this position despite high nearby amino acid conservation. In addition, computational prediction tools predict that this variant does not impact the protein. It has been identified in 0.02% (5/25124) of Finnish chromosomes by gnomAD. ACMG/AMP Criteria applied: BP4_Strong.

Literature cited by the submitters: PubMed 10431237 (cited by Laboratory for Molecular Medicine, Mass General Brigham Personalized Medicine); PubMed 18523221 (cited by Laboratory for Molecular Medicine, Mass General Brigham Personalized Medicine); PubMed 10533863 (cited by Laboratory for Molecular Medicine, Mass General Brigham Personalized Medicine); PubMed 25215231 (cited by Laboratory for Molecular Medicine, Mass General Brigham Personalized Medicine).